The following is an entry in ClinVar:

ClinVar aggregate classification (germline): Uncertain significance. Review status: criteria provided, multiple submitters, no conflicts (2 of 4 stars). 2 submissions from 2 submitters: Uncertain significance (2). Last evaluated 2026-09-08.

Conditions:
Gastrointestinal stromal tumor. Also called: Gastrointestinal stroma tumor; Gastrointestinal stromal tumor, somatic. Identifiers: Orphanet 44890, MedGen C0238198, MeSH D046152, MONDO:0011719, OMIM 606764, HP:0100723.
Hereditary cancer-predisposing syndrome. Also called: Tumor predisposition; Hereditary Cancer Syndrome; Hereditary neoplastic syndrome; Neoplastic Syndromes, Hereditary. Identifiers: Orphanet 140162, MedGen C0027672, MeSH D009386, MONDO:0015356.

Allele frequency attached by ClinVar (database versions not stated): gnomAD exomes below 0.00001.
gnomAD v4.1: 1 of 1,613,870 alleles (0.000062%); highest among the groups gnomAD compares: Non-Finnish European, 0.000085%; no homozygotes.

Submissions (2):

Ambry Genetics
Classification: Uncertain significance for Hereditary cancer-predisposing syndrome. Last evaluated: 2026-09-08. Review status: criteria provided, single submitter. Criteria: Ambry Variant Classification Scheme 2023. Collection method: clinical testing. Allele origin: germline.
Comment: The p.L416R variant (also known as c.1247T>G), located in coding exon 8 of the KIT gene, results from a T to G substitution at nucleotide position 1247. The leucine at codon 416 is replaced by arginine, an amino acid with dissimilar properties. This amino acid position is not well conserved in available vertebrate species. In addition, this alteration is predicted to be tolerated by in silico analysis. Based on the available evidence, the clinical significance of this variant remains unclear.

Labcorp Genetics (formerly Invitae), Labcorp
Classification: Uncertain significance for Gastrointestinal stromal tumor. Last evaluated: 2025-12-01. Review status: criteria provided, single submitter. Criteria: Invitae Variant Classification Sherloc (09022015). Collection method: clinical testing. Allele origin: germline.
Comment: This sequence change replaces leucine, which is neutral and non-polar, with arginine, which is basic and polar, at codon 416 of the KIT protein (p.Leu416Arg). This variant is not present in population databases (gnomAD no frequency). This variant has not been reported in the literature in individuals affected with KIT-related conditions. ClinVar contains an entry for this variant (Variation ID: 2127880). An algorithm developed to predict the effect of missense changes on protein structure and function (PolyPhen-2) suggests that this variant is likely to be tolerated. In summary, the available evidence is currently insufficient to determine the role of this variant in disease. Therefore, it has been classified as a Variant of Uncertain Significance.

NM_000222.3(KIT):c.1247T>G (p.Leu416Arg)

Gene: KIT (KIT proto-oncogene, receptor tyrosine kinase; plus strand). Cytogenetic location: 4q12.
Variant type: single nucleotide variant.
Coding change: c.1247T>G on transcript NM_000222.3 (MANE Select); coding-DNA position 1247, T replaced by G.
Protein change: p.Leu416Arg; replaces leucine 416 with arginine.
Molecular consequence: missense variant.
Genome position (GRCh38, 1-based): chr4:54,723,599, T>G. VCF-style: chr4-54723599-T-G. GRCh37 (hg19) VCF-style: chr4-55589765-T-G.
Other names: c.1247T>G, p.Leu416Arg (NM_001093772.2, NM_001385285.1, NM_001385286.1); c.1250T>G, p.Leu417Arg (NM_001385284.1, NM_001385288.1, NM_001385290.1 and 1 more transcripts); short protein forms L417R, L416R.
Identifiers: ClinVar variation 2127880 (VCV002127880.5), dbSNP rs2475526958, ClinGen allele CA356905374.